The following is an entry in ClinVar:

NM_000264.5(PTCH1):c.1706C>G (p.Ala569Gly)

Gene: PTCH1 (patched 1; minus strand). Cytogenetic location: 9q22.32.
Variant type: single nucleotide variant.
Coding change: c.1706C>G on transcript NM_000264.5 (MANE Select); coding-DNA position 1706, C replaced by G.
Protein change: p.Ala569Gly; replaces alanine 569 with glycine.
Molecular consequence: missense variant. On other transcripts: non-coding transcript variant (1).
Genome position (GRCh38, 1-based): chr9:95,476,056, G>C on the plus strand (C>G on the coding strand, the complement: PTCH1 is on the minus strand). VCF-style: chr9-95476056-G-C. GRCh37 (hg19) VCF-style: chr9-98238338-G-C.
Other names: c.1508C>G, p.Ala503Gly (NM_001083602.3); c.1703C>G, p.Ala568Gly (NM_001083603.3); c.1253C>G, p.Ala418Gly (NM_001083604.3, NM_001083605.3, NM_001083606.3 and 1 more transcripts); c.1550C>G, p.Ala517Gly (NM_001354918.2); short protein forms A418G, A569G, A503G, A517G, A568G.
Identifiers: ClinVar variation 2111381 (VCV002111381.4), dbSNP rs766973191, ClinGen allele CA374117914.

ClinVar aggregate classification (germline): Uncertain significance (1 of 4 stars; one submission).

Conditions:
Gorlin syndrome. Also called: Nevoid Basal Cell Carcinoma Syndrome; Basal cell nevus syndrome. Identifiers: Orphanet 377, MedGen C0004779, MONDO:0007187.

Submission:

Labcorp Genetics (formerly Invitae), Labcorp
Classification: Uncertain significance for Gorlin syndrome. Last evaluated: 2025-03-24. Review status: criteria provided, single submitter. Criteria: Invitae Variant Classification Sherloc (09022015). Collection method: clinical testing. Allele origin: germline.
Comment: This sequence change replaces alanine, which is neutral and non-polar, with glycine, which is neutral and non-polar, at codon 569 of the PTCH1 protein (p.Ala569Gly). This variant is not present in population databases (gnomAD no frequency). This variant has not been reported in the literature in individuals affected with PTCH1-related conditions. ClinVar contains an entry for this variant (Variation ID: 2111381). Invitae Evidence Modeling of protein sequence and biophysical properties (such as structural, functional, and spatial information, amino acid conservation, physicochemical variation, residue mobility, and thermodynamic stability) has been performed for this missense variant. However, the output from this modeling did not meet the statistical confidence thresholds required to predict the impact of this variant on PTCH1 protein function. This variant disrupts the p.Ala569 amino acid residue in PTCH1. Other variant(s) that disrupt this residue have been determined to be pathogenic (internal data). This suggests that this residue is clinically significant, and that variants that disrupt this residue are likely to be disease-causing. In summary, the available evidence is currently insufficient to determine the role of this variant in disease. Therefore, it has been classified as a Variant of Uncertain Significance.